The following is an entry in ClinVar:

ClinVar aggregate classification (germline): Uncertain significance. Review status: criteria provided, single submitter (1 of 4 stars). 2 submissions from 2 submitters: Uncertain significance (1). 1 of the submissions does not count toward it. Last evaluated 2022-03-17.

Conditions:
Bardet-Biedl syndrome (BBS). Identifiers: Orphanet 110, MedGen C0752166, MONDO:0015229.
BBS4-related disorder. Also called: BBS4-related condition.

Allele frequency attached by ClinVar (database versions not stated): gnomAD exomes below 0.00001.
gnomAD v4.1: 9 of 1,614,242 alleles (0.00056%); highest among the groups gnomAD compares: South Asian, 0.0022%; no homozygotes.

Submissions (2):

Labcorp Genetics (formerly Invitae), Labcorp
Classification: Uncertain significance for Bardet-Biedl syndrome. Last evaluated: 2022-03-17. Review status: criteria provided, single submitter. Criteria: Invitae Variant Classification Sherloc (09022015). Collection method: clinical testing. Allele origin: germline.
Comment: This variant is present in population databases (no rsID available, gnomAD 0.003%). This sequence change falls in intron 11 of the BBS4 gene. It does not directly change the encoded amino acid sequence of the BBS4 protein. It affects a nucleotide within the consensus splice site. This variant has not been reported in the literature in individuals affected with BBS4-related conditions. In summary, the available evidence is currently insufficient to determine the role of this variant in disease. Therefore, it has been classified as a Variant of Uncertain Significance. Variants that disrupt the consensus splice site are a relatively common cause of aberrant splicing (PMID: 17576681, 9536098). Algorithms developed to predict the effect of sequence changes on RNA splicing suggest that this variant is not likely to affect RNA splicing.

PreventionGenetics, part of Exact Sciences
Classification: Likely benign for BBS4-related condition. Last evaluated: 2021-07-30. Review status: no assertion criteria provided. Collection method: clinical testing. Allele origin: germline. Not counted in ClinVar's aggregate classification.
Comment: This variant is classified as likely benign based on ACMG/AMP sequence variant interpretation guidelines (Richards et al. 2015 PMID: 25741868, with internal and published modifications).

Literature cited by the submitters: PubMed 17576681 (cited by Labcorp Genetics (formerly Invitae), Labcorp); PubMed 9536098 (cited by Labcorp Genetics (formerly Invitae), Labcorp).

NM_033028.5(BBS4):c.865-3T>C

Gene: BBS4 (Bardet-Biedl syndrome 4; plus strand). Cytogenetic location: 15q24.1.
Variant type: single nucleotide variant.
Coding change: c.865-3T>C on transcript NM_033028.5 (MANE Select); 3 bases into the intron before coding-DNA position 865, T replaced by C.
Molecular consequence: intron variant.
Genome position (GRCh38, 1-based): chr15:72,731,552, T>C. VCF-style: chr15-72731552-T-C. GRCh37 (hg19) VCF-style: chr15-73023893-T-C.
Other names: c.796-3T>C (NM_001320665.2); c.349-3T>C (NM_001252678.2); c.865-3T>C (NM_033028.4).
Identifiers: ClinVar variation 1983617 (VCV001983617.6), dbSNP rs1005128635, ClinGen allele CA619410398.
Genomic context (GRCh38, chr15:72,731,552, plus strand): 5'-TACATGTGGTTATTGGGTCTGTTTAGCTTGCCCTTCTCATTGAGTGCCCCTTCTCTCTCA[T>C]AGGCCATCAGCTGCCTGAAACGAGCCAACTACTTGGCACCCTTTGATTGGAAGATTCTGT-3'